The following is an entry in ClinVar:

ClinVar aggregate classification (germline): Uncertain significance. Review status: criteria provided, multiple submitters, no conflicts (2 of 4 stars). 2 submissions from 2 submitters: Uncertain significance (2). Last evaluated 2024-08-23.

Allele frequency attached by ClinVar (database versions not stated): ExAC 0.00006; TOPMed 0.00006; gnomAD 0.00007; ESP Exome Variant Server 0.00023.
gnomAD v4.1: 133 of 1,614,050 alleles (0.0082%); highest among the groups gnomAD compares: Non-Finnish European, 0.01%; no homozygotes.

Submissions (2):

Labcorp Genetics (formerly Invitae), Labcorp
Classification: Uncertain significance. Last evaluated: 2024-08-23. Review status: criteria provided, single submitter. Criteria: Invitae Variant Classification Sherloc (09022015). Collection method: clinical testing. Allele origin: germline.
Comment: This sequence change replaces alanine, which is neutral and non-polar, with threonine, which is neutral and polar, at codon 961 of the KANK1 protein (p.Ala961Thr). This variant is present in population databases (rs199935861, gnomAD 0.03%). This variant has not been reported in the literature in individuals affected with KANK1-related conditions. ClinVar contains an entry for this variant (Variation ID: 2199319). Invitae Evidence Modeling of protein sequence and biophysical properties (such as structural, functional, and spatial information, amino acid conservation, physicochemical variation, residue mobility, and thermodynamic stability) indicates that this missense variant is not expected to disrupt KANK1 protein function with a negative predictive value of 80%. In summary, the available evidence is currently insufficient to determine the role of this variant in disease. Therefore, it has been classified as a Variant of Uncertain Significance.

Ambry Genetics
Classification: Uncertain significance. Last evaluated: 2023-02-16. Review status: criteria provided, single submitter. Criteria: Ambry Variant Classification Scheme 2023. Collection method: clinical testing. Allele origin: germline.

NM_015158.5(KANK1):c.2881G>A (p.Ala961Thr)

Gene: KANK1 (KN motif and ankyrin repeat domains 1; plus strand). Cytogenetic location: 9p24.3.
Variant type: single nucleotide variant.
Coding change: c.2881G>A on transcript NM_015158.5 (MANE Select); coding-DNA position 2881, G replaced by A.
Protein change: p.Ala961Thr; replaces alanine 961 with threonine.
Molecular consequence: missense variant. On other transcripts: non-coding transcript variant (1), intron variant (5).
Genome position (GRCh38, 1-based): chr9:730,233, G>A. VCF-style: chr9-730233-G-A. GRCh37 (hg19) VCF-style: chr9-730233-G-A.
Other names: c.2881G>A (NM_015158.2); c.2881G>A, p.Ala961Thr (NM_001256876.3, NM_001256877.3, NM_001354331.2 and 1 more transcripts); c.2407G>A, p.Ala803Thr (NM_001354333.2, NM_001354335.2, NM_001354337.2 and 5 more transcripts); c.2842+39G>A (NM_001354332.2); c.2368+39G>A (NM_001354336.2, NM_001354338.2, NM_001354340.2 and 1 more transcripts); short protein forms A803T, A961T.
Identifiers: ClinVar variation 2199319 (VCV002199319.5), dbSNP rs199935861, ClinGen allele CA4960643.